The following is an entry in ClinVar:

NM_020937.4(FANCM):c.3202G>C (p.Asp1068His)

Gene: FANCM (FA complementation group M; plus strand). Cytogenetic location: 14q21.2.
Variant type: single nucleotide variant.
Coding change: c.3202G>C on transcript NM_020937.4 (MANE Select); coding-DNA position 3202, G replaced by C.
Protein change: p.Asp1068His; replaces aspartic acid 1068 with histidine.
Molecular consequence: missense variant.
Genome position (GRCh38, 1-based): chr14:45,175,956, G>C. VCF-style: chr14-45175956-G-C. GRCh37 (hg19) VCF-style: chr14-45645159-G-C.
Other names: c.3124G>C, p.Asp1042His (NM_001308133.2); short protein forms D1042H, D1068H.
Identifiers: ClinVar variation 4871032 (VCV004871032.1).

ClinVar aggregate classification (germline): Uncertain significance (1 of 4 stars; one submission).

Conditions:
Inborn genetic diseases. Identifiers: MedGen C0950123, MeSH D030342.

gnomAD v4.1: 1 of 1,613,484 alleles (0.000062%); no homozygotes.

Submission:

Ambry Genetics
Classification: Uncertain significance for Inborn genetic diseases. Last evaluated: 2026-03-17. Review status: criteria provided, single submitter. Criteria: Ambry Variant Classification Scheme 2023. Collection method: clinical testing. Allele origin: germline.
Comment: The p.D1068H variant (also known as c.3202G>C), located in coding exon 14 of the FANCM gene, results from a G to C substitution at nucleotide position 3202. The aspartic acid at codon 1068 is replaced by histidine, an amino acid with similar properties. This amino acid position is conserved. In addition, this alteration is predicted to be tolerated by in silico analysis. Based on the available evidence, the clinical significance of this variant remains unclear.